The following is an entry in ClinVar:

ClinVar aggregate classification (germline): Uncertain significance. Review status: criteria provided, single submitter (1 of 4 stars). 2 submissions from 2 submitters: Uncertain significance (1). 1 of the submissions does not count toward it. Last evaluated 2026-01-05.

Submissions (2):

Labcorp Genetics (formerly Invitae), Labcorp
Classification: Uncertain significance. Last evaluated: 2026-01-05. Review status: criteria provided, single submitter. Criteria: Invitae Variant Classification Sherloc (09022015). Collection method: clinical testing. Allele origin: germline.
Comment: This variant, c.174_182dup, results in the insertion of 3 amino acid(s) of the HOXD13 protein (p.Ala69_Ala71dup), but otherwise preserves the integrity of the reading frame. The frequency data for this variant in the population databases is considered unreliable, as metrics indicate poor data quality at this position in the gnomAD database. This variant has not been reported in the literature in individuals affected with HOXD13-related conditions. In summary, the available evidence is currently insufficient to determine the role of this variant in disease. Therefore, it has been classified as a Variant of Uncertain Significance.

Gharavi Laboratory, Columbia University
Classification: Uncertain significance. Last evaluated: 2018-09-16. Review status: no assertion criteria provided. Criteria: ACMG Guidelines, 2015. Collection method: research. Allele origin: germline. Affected: yes. Not counted in ClinVar's aggregate classification.

NM_000523.4(HOXD13):c.168GGC[8] (p.Ala69_Ala71dup)

Gene: HOXD13 (homeobox D13; plus strand). Cytogenetic location: 2q31.1.
Variant type: Microsatellite.
Coding change: c.168GGC[8] on transcript NM_000523.4 (MANE Select); eight copies in a row of the 3-base unit GGC starting at c.168; the reference has five copies in a row; three copies, 9 bases duplicated.
Protein change: p.Ala69_Ala71dup.
Molecular consequence: inframe insertion.
Genome position (GRCh38, 1-based): chr2:176,093,064-176,093,072, GGCGGCGGC duplicated; duplicating any 9 consecutive bases within chr2:176,093,058-176,093,072 gives the same sequence; the position shown is the placement nearest the transcript's 3' end. VCF-style (leftmost placement, unchanged base first): chr2-176093057-G-GGGCGGCGGC. GRCh37 (hg19) VCF-style: chr2-176957785-G-GGGCGGCGGC.
Identifiers: ClinVar variation 591237 (VCV000591237.2), dbSNP rs3832095, ClinGen allele CA537975672.